The following is an entry in ClinVar:

NM_001927.4(DES):c.877G>A (p.Glu293Lys)

Gene: DES (desmin; plus strand). Cytogenetic location: 2q35.
Variant type: single nucleotide variant.
Coding change: c.877G>A on transcript NM_001927.4 (MANE Select); coding-DNA position 877, G replaced by A.
Protein change: p.Glu293Lys; replaces glutamic acid 293 with lysine.
Molecular consequence: missense variant. On other transcripts: intron variant (1).
Genome position (GRCh38, 1-based): chr2:219,420,636, G>A. VCF-style: chr2-219420636-G-A. GRCh37 (hg19) VCF-style: chr2-220285358-G-A.
Other names: c.874G>A, p.Glu292Lys (NM_001382708.1); c.877G>A, p.Glu293Lys (NM_001382710.1, NM_001382711.1, NM_001382712.1); c.607G>A, p.Glu203Lys (NM_001382713.1); c.735+290G>A (NM_001382709.1); short protein forms E203K, E292K, E293K.
Identifiers: ClinVar variation 3906586 (VCV003906586.1).

ClinVar aggregate classification (germline): Uncertain significance (1 of 4 stars; one submission).

Submission:

GeneDx
Classification: Uncertain significance. Last evaluated: 2024-12-18. Review status: criteria provided, single submitter. Criteria: GeneDx Variant Classification Process June 2021. Collection method: clinical testing. Allele origin: germline. Affected: yes.
Comment: Not observed at significant frequency in large population cohorts (gnomAD); In silico analysis supports that this missense variant has a deleterious effect on protein structure/function; Has not been previously published as pathogenic or benign to our knowledge; This variant is associated with the following publications: (PMID: 26807690)